The following is an entry in ClinVar:

NM_000626.4(CD79B):c.429G>A (p.Met143Ile)

Genes: CD79B (CD79b molecule; minus strand), GH-LCR (growth hormone locus control region; plus strand). Cytogenetic location: 17q23.3.
Variant type: single nucleotide variant.
Coding change: c.429G>A on transcript NM_000626.4 (MANE Select); coding-DNA position 429, G replaced by A.
Protein change: p.Met143Ile; replaces methionine 143 with isoleucine.
Molecular consequence: missense variant. On other transcripts: intron variant (2).
Genome position (GRCh38, 1-based): chr17:63,930,075, C>T on the plus strand (G>A on the coding strand, the complement: CD79B is on the minus strand). VCF-style: chr17-63930075-C-T. GRCh37 (hg19) VCF-style: chr17-62007435-C-T.
Other names: c.432G>A, p.Met144Ile (NM_001039933.3); c.119-187G>A (NM_021602.4); c.122-187G>A (NM_001329050.2); short protein forms M143I, M144I.
Identifiers: ClinVar variation 2139630 (VCV002139630.4), dbSNP rs747265164, ClinGen allele CA8708570.

ClinVar aggregate classification (germline): Uncertain significance (1 of 4 stars; one submission).

Conditions:
Agammaglobulinemia 6, autosomal recessive (AGM6). Also called: AGAMMAGLOBULINEMIA, AUTOSOMAL RECESSIVE, DUE TO CD79B DEFECT; AGAMMAGLOBULINEMIA 6. Identifiers: MedGen C3150207, MONDO:0012987, OMIM 612692.

Allele frequency attached by ClinVar (database versions not stated): gnomAD exomes below 0.00001; ExAC 0.00001; gnomAD 0.00001.

Submission:

Labcorp Genetics (formerly Invitae), Labcorp
Classification: Uncertain significance for Agammaglobulinemia 6, autosomal recessive. Last evaluated: 2024-07-29. Review status: criteria provided, single submitter. Criteria: Invitae Variant Classification Sherloc (09022015). Collection method: clinical testing. Allele origin: germline.
Comment: This sequence change replaces methionine, which is neutral and non-polar, with isoleucine, which is neutral and non-polar, at codon 143 of the CD79B protein (p.Met143Ile). This variant is present in population databases (rs747265164, gnomAD 0.0009%). This variant has not been reported in the literature in individuals affected with CD79B-related conditions. ClinVar contains an entry for this variant (Variation ID: 2139630). An algorithm developed to predict the effect of missense changes on protein structure and function (PolyPhen-2) suggests that this variant is likely to be tolerated. In summary, the available evidence is currently insufficient to determine the role of this variant in disease. Therefore, it has been classified as a Variant of Uncertain Significance.